The following is an entry in ClinVar:

NM_020810.3(TRMT5):c.1304C>T (p.Ala435Val)

Gene: TRMT5 (tRNA methyltransferase 5; minus strand). Cytogenetic location: 14q23.1.
Variant type: single nucleotide variant.
Coding change: c.1304C>T on transcript NM_020810.3 (MANE Select); coding-DNA position 1304, C replaced by T.
Protein change: p.Ala435Val; replaces alanine 435 with valine.
Molecular consequence: missense variant.
Genome position (GRCh38, 1-based): chr14:60,975,615, G>A on the plus strand (C>T on the coding strand, the complement: TRMT5 is on the minus strand). VCF-style: chr14-60975615-G-A. GRCh37 (hg19) VCF-style: chr14-61442333-G-A.
Other names: c.1388C>T, p.Ala463Val (NM_001350253.1); c.1385C>T, p.Ala462Val (NM_001350254.1); short protein forms A435V, A462V, A463V.
Identifiers: ClinVar variation 2010678 (VCV002010678.4), dbSNP rs772546731, ClinGen allele CA7213733.

ClinVar aggregate classification (germline): Uncertain significance (1 of 4 stars; one submission).

Allele frequency attached by ClinVar (database versions not stated): gnomAD exomes below 0.00001; ExAC 0.00001.
gnomAD v4.1: 1 of 1,614,134 alleles (0.000062%); highest among the groups gnomAD compares: South Asian, 0.0011%; no homozygotes.

Submission:

Labcorp Genetics (formerly Invitae), Labcorp
Classification: Uncertain significance. Last evaluated: 2022-06-25. Review status: criteria provided, single submitter. Criteria: Invitae Variant Classification Sherloc (09022015). Collection method: clinical testing. Allele origin: germline.
Comment: In summary, the available evidence is currently insufficient to determine the role of this variant in disease. Therefore, it has been classified as a Variant of Uncertain Significance. Algorithms developed to predict the effect of missense changes on protein structure and function (SIFT, PolyPhen-2, Align-GVGD) all suggest that this variant is likely to be tolerated. This variant has not been reported in the literature in individuals affected with TRMT5-related conditions. This variant is present in population databases (rs772546731, gnomAD 0.003%). This sequence change replaces alanine, which is neutral and non-polar, with valine, which is neutral and non-polar, at codon 435 of the TRMT5 protein (p.Ala435Val).